The following is an entry in ClinVar:

NM_014225.6(PPP2R1A):c.1492C>T (p.Arg498Cys)

Gene: PPP2R1A (protein phosphatase 2 scaffold subunit Aalpha; plus strand). Cytogenetic location: 19q13.41.
Variant type: single nucleotide variant.
Coding change: c.1492C>T on transcript NM_014225.6 (MANE Select); coding-DNA position 1492, C replaced by T.
Protein change: p.Arg498Cys; replaces arginine 498 with cysteine.
Molecular consequence: missense variant. On other transcripts: non-coding transcript variant (1).
Genome position (GRCh38, 1-based): chr19:52,221,107, C>T. VCF-style: chr19-52221107-C-T. GRCh37 (hg19) VCF-style: chr19-52724360-C-T.
Other names: c.955C>T, p.Arg319Cys (NM_001363656.2); short protein forms R319C, R498C.
Identifiers: ClinVar variation 3360533 (VCV003360533.1).

ClinVar aggregate classification (germline): Uncertain significance (1 of 4 stars; one submission).

Submission:

GeneDx
Classification: Uncertain significance. Last evaluated: 2023-06-27. Review status: criteria provided, single submitter. Criteria: GeneDx Variant Classification Process June 2021. Collection method: clinical testing. Allele origin: germline. Affected: yes.
Comment: Not observed at significant frequency in large population cohorts (gnomAD); In silico analysis supports that this missense variant has a deleterious effect on protein structure/function; Has not been previously published as pathogenic or benign to our knowledge